The following is an entry in ClinVar:

NM_001164277.2(SLC37A4):c.163A>C (p.Ser55Arg)

Gene: SLC37A4 (solute carrier family 37 member 4; minus strand). Cytogenetic location: 11q23.3.
Variant type: single nucleotide variant.
Coding change: c.163A>C on transcript NM_001164277.2 (MANE Select); coding-DNA position 163, A replaced by C.
Protein change: p.Ser55Arg; replaces serine 55 with arginine.
Molecular consequence: missense variant. On other transcripts: 5 prime UTR variant (1).
Genome position (GRCh38, 1-based): chr11:119,028,412, T>G on the plus strand (A>C on the coding strand, the complement: SLC37A4 is on the minus strand). VCF-style: chr11-119028412-T-G. GRCh37 (hg19) VCF-style: chr11-118899122-T-G.
Other names: c.163A>C, p.Ser55Arg (NM_001164278.2, NM_001164280.2, NM_001467.6); c.-57A>C (NM_001164279.2); short protein forms S55R.
Identifiers: ClinVar variation 68274 (VCV000068274.4), dbSNP rs193302884, ClinGen allele CA219297.
Genomic context (GRCh38, chr11:119,028,412, plus strand): 5'-TCATCTGGTCAGACAGCACCCCACTGACAAACTTGCTGATAGCATAAGCTGCCGACTGGC[T>G]GCTGGTGATGAACCCTGCAGGGAACATTACACTTAGGGGTTAGGGACCAGGGGAGAAACA-3'
Protein context (NP_001157749.1, residues 45-65): DKDDLGFITS[Ser55Arg]QSAAYAISKF

ClinVar aggregate classification (germline): Likely pathogenic. Review status: criteria provided, single submitter (1 of 4 stars). 2 submissions from 2 submitters: Likely pathogenic (1). 1 of the submissions does not count toward it. Last evaluated 2023-04-09.

Conditions:
Glucose-6-phosphate transport defect (GSD1B). Also called: Glycogen Storage Disease Type Ib; GSD Ib. Identifiers: Orphanet 364, Orphanet 79259, MedGen C0268146, MONDO:0009288, OMIM 232220.

Submissions (2):

Labcorp Genetics (formerly Invitae), Labcorp
Classification: Likely pathogenic for Glucose-6-phosphate transport defect. Last evaluated: 2023-04-09. Review status: criteria provided, single submitter. Criteria: Invitae Variant Classification Sherloc (09022015). Collection method: clinical testing. Allele origin: germline.
Comment: ClinVar contains an entry for this variant (Variation ID: 68274). This missense change has been observed in individual(s) with glycogen storage disease type Ib (PMID: 9758626). In at least one individual the data is consistent with being in trans (on the opposite chromosome) from a pathogenic variant. This variant is not present in population databases (gnomAD no frequency). This sequence change replaces serine, which is neutral and polar, with arginine, which is basic and polar, at codon 55 of the SLC37A4 protein (p.Ser55Arg). Advanced modeling of protein sequence and biophysical properties (such as structural, functional, and spatial information, amino acid conservation, physicochemical variation, residue mobility, and thermodynamic stability) performed at Invitae indicates that this missense variant is expected to disrupt SLC37A4 protein function. In summary, the currently available evidence indicates that the variant is pathogenic, but additional data are needed to prove that conclusively. Therefore, this variant has been classified as Likely Pathogenic. Experimental studies have shown that this missense change affects SLC37A4 function (PMID: 10940311, 12444104).

UniProtKB/Swiss-Prot
No classification provided. Review status: no classification provided. Collection method: not provided. Allele origin: not provided. Not counted in ClinVar's aggregate classification.

Literature cited by the submitters: PubMed 9758626 (cited by Labcorp Genetics (formerly Invitae), Labcorp); PubMed 10940311 (cited by Labcorp Genetics (formerly Invitae), Labcorp); PubMed 12444104 (cited by Labcorp Genetics (formerly Invitae), Labcorp).